The following is an entry in ClinVar:

ClinVar aggregate classification (germline): Benign/Likely benign. Review status: criteria provided, multiple submitters, no conflicts (2 of 4 stars). 6 submissions from 6 submitters: Benign (1); Likely benign (4). 1 of the submissions does not count toward it. Last evaluated 2025-11-11.

Conditions:
Autosomal recessive limb-girdle muscular dystrophy type 2Q (LGMDR17). Also called: MUSCULAR DYSTROPHY, LIMB-GIRDLE, AUTOSOMAL RECESSIVE 17. Identifiers: Orphanet 254361, MedGen C3150989, MONDO:0013390, OMIM 613723.
Epidermolysis bullosa simplex with nail dystrophy (EBS5D). Identifiers: MedGen C4225309, MONDO:0014661, OMIM 616487.
Epidermolysis bullosa simplex 5C, with pyloric atresia (EBS5C). Also called: PLEC1-Related Epidermolysis Bullosa with Pyloric Atresia; PLEC-Related Epidermolysis Bullosa with Pyloric Atresia; Epidermolysis bullosa simplex with pyloric atresia. Identifiers: Orphanet 158684, MedGen C2677349, MONDO:0012807, OMIM 612138.
Epidermolysis bullosa simplex, Ogna type (EBS5A). Also called: Pidermolysis bullosa simplex 5A, Ogna type; EPIDERMOLYSIS BULLOSA SIMPLEX 5A, OGNA TYPE. Identifiers: Orphanet 79401, MedGen C0432317, MONDO:0007555, OMIM 131950.
Epidermolysis bullosa simplex 5B, with muscular dystrophy (EBS5B). Also called: Epidermolysis bullosa simplex with muscular dystrophy; EPIDERMOLYSIS BULLOSA SIMPLEX AND LIMB-GIRDLE MUSCULAR DYSTROPHY. Identifiers: Orphanet 257, MedGen C2931072, MONDO:0009181, OMIM 226670.
PLEC-related disorder. Also called: PLEC-related disorders; PLEC-related condition.

Allele frequency attached by ClinVar (database versions not stated): 1000 Genomes Project 30x 0.00172.
gnomAD v4.1: 392 of 1,600,466 alleles (0.024%); highest among the groups gnomAD compares: African/African-American, 0.4%; 3 homozygotes.

Submissions (6):

Labcorp Genetics (formerly Invitae), Labcorp
Classification: Benign for Autosomal recessive limb-girdle muscular dystrophy type 2Q; Epidermolysis bullosa simplex, Ogna type; Epidermolysis bullosa simplex with nail dystrophy; Epidermolysis bullosa simplex 5C, with pyloric atresia; Epidermolysis bullosa simplex 5B, with muscular dystrophy. Last evaluated: 2025-11-11. Review status: criteria provided, single submitter. Criteria: Invitae Variant Classification Sherloc (09022015). Collection method: clinical testing. Allele origin: germline.

Women's Health and Genetics/Laboratory Corporation of America, LabCorp
Classification: Likely benign. Last evaluated: 2025-10-09. Review status: criteria provided, single submitter. Criteria: LabCorp Variant Classification Summary - May 2015. Collection method: clinical testing. Allele origin: germline.
Comment: Variant summary: PLEC c.2259+9C>T alters a nucleotide located at a position not widely known to affect splicing. Consensus agreement among computation tools predict no significant impact on normal splicing. However, these predictions have yet to be confirmed by functional studies. The variant allele was found at a frequency of 0.00025 in 231614 control chromosomes. This frequency is not significantly higher than estimated for disease-causing variants in PLEC, allowing no conclusion about variant significance. To our knowledge, no occurrence of c.2259+9C>T in individuals affected with PLEC-related conditions and no experimental evidence demonstrating its impact on protein function have been reported. ClinVar contains an entry for this variant (Variation ID: 286313). Based on the evidence outlined above, the variant was classified as likely benign.

Mayo Clinic Laboratories, Mayo Clinic
Classification: Likely benign. Last evaluated: 2025-02-26. Review status: criteria provided, single submitter. Criteria: ACMG Guidelines, 2015. Collection method: clinical testing. Allele origin: germline. Observed: 3 variant alleles.
Comment: BS1, BP4, BP7

Blueprint Genetics
Classification: Likely benign. Last evaluated: 2023-10-23. Review status: criteria provided, single submitter. Criteria: ACMG Guidelines, 2015. Collection method: clinical testing. Allele origin: germline.

Eurofins Ntd Llc (ga)
Classification: Likely benign. Last evaluated: 2016-03-03. Review status: criteria provided, single submitter. Criteria: EGL Classification Definitions 2015. Collection method: clinical testing. Allele origin: germline. Observed: 1 variant allele, 1 heterozygote.

PreventionGenetics, part of Exact Sciences
Classification: Likely benign for PLEC-related condition. Last evaluated: 2024-09-26. Review status: no assertion criteria provided. Collection method: clinical testing. Allele origin: germline. Not counted in ClinVar's aggregate classification.
Comment: This variant is classified as likely benign based on ACMG/AMP sequence variant interpretation guidelines (Richards et al. 2015 PMID: 25741868, with internal and published modifications).

NM_201384.3(PLEC):c.2178+9C>T

Gene: PLEC (plectin; minus strand). Cytogenetic location: 8q24.3.
Variant type: single nucleotide variant.
Coding change: c.2178+9C>T on transcript NM_201384.3 (MANE Select); 9 bases into the intron after coding-DNA position 2178, C replaced by T.
Molecular consequence: intron variant.
Genome position (GRCh38, 1-based): chr8:143,931,928, G>A on the plus strand (C>T on the coding strand, the complement: PLEC is on the minus strand). VCF-style: chr8-143931928-G-A. GRCh37 (hg19) VCF-style: chr8-145006096-G-A.
Other names: p.?; c.2259+9C>T (NM_000445.5); c.2136+9C>T (NM_201378.4); c.2112+9C>T (NM_201379.3); c.2589+9C>T (NM_201380.4); c.2082+9C>T (NM_201381.3); c.2178+9C>T (NM_201382.4); c.2190+9C>T (NM_201383.3).
Identifiers: ClinVar variation 286313 (VCV000286313.23), dbSNP rs114256617, ClinGen allele CA4927632.